The following is an entry in ClinVar:

NM_004360.5(CDH1):c.683A>G (p.Tyr228Cys)

Gene: CDH1 (cadherin 1; plus strand). Cytogenetic location: 16q22.1.
Variant type: single nucleotide variant.
Coding change: c.683A>G on transcript NM_004360.5 (MANE Select); coding-DNA position 683, A replaced by G.
Protein change: p.Tyr228Cys; replaces tyrosine 228 with cysteine.
Molecular consequence: missense variant. On other transcripts: 5 prime UTR variant (2).
Genome position (GRCh38, 1-based): chr16:68,808,844, A>G. VCF-style: chr16-68808844-A-G. GRCh37 (hg19) VCF-style: chr16-68842747-A-G.
Other names: c.-933A>G (NM_001317185.2); c.683A>G, p.Tyr228Cys (NM_001317184.2); c.-1137A>G (NM_001317186.2); short protein forms Y228C.
Identifiers: ClinVar variation 826656 (VCV000826656.11), dbSNP rs1597891240, ClinGen allele CA396458151.

ClinVar aggregate classification (germline): Uncertain significance. Review status: criteria provided, multiple submitters, no conflicts (2 of 4 stars). 2 submissions from 2 submitters: Uncertain significance (2). Last evaluated 2025-04-15.

Conditions:
Hereditary cancer-predisposing syndrome. Also called: Neoplastic Syndromes, Hereditary; Hereditary Cancer Syndrome; Hereditary neoplastic syndrome; Tumor predisposition. Identifiers: Orphanet 140162, MedGen C0027672, MeSH D009386, MONDO:0015356.
Hereditary diffuse gastric adenocarcinoma (HDGC). Also called: DIFFUSE GASTRIC AND LOBULAR BREAST CANCER SYNDROME. Identifiers: Orphanet 26106, MedGen C1708349, MONDO:0007648, OMIM 137215.

Submissions (2):

Ambry Genetics
Classification: Uncertain significance for Hereditary cancer-predisposing syndrome. Last evaluated: 2025-04-15. Review status: criteria provided, single submitter. Criteria: Ambry Variant Classification Scheme 2023. Collection method: clinical testing. Allele origin: germline.
Comment: The p.Y228C variant (also known as c.683A>G), located in coding exon 5 of the CDH1 gene, results from an A to G substitution at nucleotide position 683. The tyrosine at codon 228 is replaced by cysteine, an amino acid with highly dissimilar properties. This amino acid position is highly conserved in available vertebrate species. In addition, this alteration is predicted to be deleterious by in silico analysis. Based on the available evidence, the clinical significance of this variant remains unclear.

Labcorp Genetics (formerly Invitae), Labcorp
Classification: Uncertain significance for Hereditary diffuse gastric adenocarcinoma. Last evaluated: 2021-08-11. Review status: criteria provided, single submitter. Criteria: Invitae Variant Classification Sherloc (09022015). Collection method: clinical testing. Allele origin: germline.
Comment: This variant has not been reported in the literature in individuals affected with CDH1-related conditions. In summary, the available evidence is currently insufficient to determine the role of this variant in disease. Therefore, it has been classified as a Variant of Uncertain Significance. Algorithms developed to predict the effect of missense changes on protein structure and function (SIFT, PolyPhen-2, Align-GVGD) all suggest that this variant is likely to be disruptive. ClinVar contains an entry for this variant (Variation ID: 826656). This variant is not present in population databases (ExAC no frequency). This sequence change replaces tyrosine with cysteine at codon 228 of the CDH1 protein (p.Tyr228Cys). The tyrosine residue is highly conserved and there is a large physicochemical difference between tyrosine and cysteine.